The following is an entry in ClinVar:

NM_000179.3(MSH6):c.2809T>C (p.Tyr937His)

Gene: MSH6 (mutS homolog 6; plus strand). Cytogenetic location: 2p16.3.
Variant type: single nucleotide variant.
Coding change: c.2809T>C on transcript NM_000179.3 (MANE Select); coding-DNA position 2809, T replaced by C.
Protein change: p.Tyr937His; replaces tyrosine 937 with histidine.
Molecular consequence: missense variant.
Genome position (GRCh38, 1-based): chr2:47,800,792, T>C. VCF-style: chr2-47800792-T-C. GRCh37 (hg19) VCF-style: chr2-48027931-T-C.
Other names: c.2419T>C, p.Tyr807His (NM_001281492.2); c.1903T>C, p.Tyr635His (NM_001281493.2, NM_001281494.2, NM_001406811.1 and 6 more transcripts); c.2905T>C, p.Tyr969His (NM_001406795.1, NM_001406802.1); c.2809T>C, p.Tyr937His (NM_001406796.1, NM_001406798.1, NM_001406800.1 and 2 more transcripts); c.2512T>C, p.Tyr838His (NM_001406797.1, NM_001406801.1, NM_001406805.1 and 10 more transcripts); c.2284T>C, p.Tyr762His (NM_001406799.1, NM_001406806.1, NM_001406807.1); c.2731T>C, p.Tyr911His (NM_001406804.1); c.2815T>C, p.Tyr939His (NM_001406813.1); and 2 more; short protein forms Y762H, Y807H, Y838H, Y881H, Y937H, Y969H, Y911H, Y939H.
Identifiers: ClinVar variation 1917432 (VCV001917432.9), dbSNP rs2104425185, ClinGen allele CA346755618.
Genomic context (GRCh38, chr2:47,800,792, plus strand): 5'-GACCATGAAAAGGCTCGAAAGACTGGACTTATTACTCCCAAAGCAGGCTTTGACTCTGAT[T>C]ATGACCAAGCTCTTGCTGACATAAGAGAAAATGAACAGAGCCTCCTGGAATACCTAGAGA-3'
Protein context (NP_000170.1, residues 927-947): ITPKAGFDSD[Tyr937His]DQALADIREN

ClinVar aggregate classification (germline): Uncertain significance. Review status: criteria provided, multiple submitters, no conflicts (2 of 4 stars). 4 submissions from 4 submitters: Uncertain significance (4). Last evaluated 2025-03-04.

Conditions:
Hereditary cancer-predisposing syndrome. Also called: Neoplastic Syndromes, Hereditary; Hereditary Cancer Syndrome; Tumor predisposition; Hereditary neoplastic syndrome. Identifiers: Orphanet 140162, MedGen C0027672, MeSH D009386, MONDO:0015356.
Hereditary nonpolyposis colorectal neoplasms. Identifiers: MedGen C0009405, MeSH D003123.
Endometrial carcinoma. Also called: Endometrial carcinoma, somatic. Identifiers: MedGen C0476089, MONDO:0002447, OMIM 608089, HP:0012114.

Allele frequency attached by ClinVar (database versions not stated): gnomAD exomes below 0.00001.
gnomAD v4.1: 1 of 1,614,124 alleles (0.000062%); highest among the groups gnomAD compares: Non-Finnish European, 0.000085%; no homozygotes.

Submissions (4):

Center for Genomic Medicine, Rigshospitalet, Copenhagen University Hospital
Classification: Uncertain significance. Last evaluated: 2025-03-04. Review status: criteria provided, single submitter. Criteria: ACMG Guidelines, 2015. Collection method: clinical testing. Allele origin: germline.

Labcorp Genetics (formerly Invitae), Labcorp
Classification: Uncertain significance for Hereditary nonpolyposis colorectal neoplasms. Last evaluated: 2024-02-22. Review status: criteria provided, single submitter. Criteria: Invitae Variant Classification Sherloc (09022015). Collection method: clinical testing. Allele origin: germline.
Comment: This sequence change replaces tyrosine, which is neutral and polar, with histidine, which is basic and polar, at codon 937 of the MSH6 protein (p.Tyr937His). This variant is not present in population databases (gnomAD no frequency). This variant has not been reported in the literature in individuals affected with MSH6-related conditions. ClinVar contains an entry for this variant (Variation ID: 1917432). Advanced modeling of protein sequence and biophysical properties (such as structural, functional, and spatial information, amino acid conservation, physicochemical variation, residue mobility, and thermodynamic stability) has been performed at Invitae for this missense variant, however the output from this modeling did not meet the statistical confidence thresholds required to predict the impact of this variant on MSH6 protein function. In summary, the available evidence is currently insufficient to determine the role of this variant in disease. Therefore, it has been classified as a Variant of Uncertain Significance.

Ambry Genetics
Classification: Uncertain significance for Hereditary cancer-predisposing syndrome. Last evaluated: 2024-01-07. Review status: criteria provided, single submitter. Criteria: Ambry Variant Classification Scheme 2023. Collection method: clinical testing. Allele origin: germline.
Comment: The p.Y937H variant (also known as c.2809T>C), located in coding exon 4 of the MSH6 gene, results from a T to C substitution at nucleotide position 2809. The tyrosine at codon 937 is replaced by histidine, an amino acid with similar properties. This amino acid position is conserved. In addition, this alteration is predicted to be deleterious by in silico analysis. Since supporting evidence is limited at this time, the clinical significance of this alteration remains unclear.

Baylor Genetics
Classification: Uncertain significance for Endometrial carcinoma. Last evaluated: 2023-05-10. Review status: criteria provided, single submitter. Criteria: ACMG Guidelines, 2015. Collection method: clinical testing. Allele origin: unknown.